The following is an entry in ClinVar:

NM_007294.4(BRCA1):c.5038A>G (p.Ile1680Val)

Gene: BRCA1 (BRCA1 DNA repair associated; minus strand). Cytogenetic location: 17q21.31.
Variant type: single nucleotide variant.
Coding change: c.5038A>G on transcript NM_007294.4 (MANE Select); coding-DNA position 5038, A replaced by G.
Protein change: p.Ile1680Val; replaces isoleucine 1680 with valine.
Molecular consequence: missense variant. On other transcripts: non-coding transcript variant (1).
Genome position (GRCh38, 1-based): chr17:43,067,644, T>C on the plus strand (A>G on the coding strand, the complement: BRCA1 is on the minus strand). VCF-style: chr17-43067644-T-C. GRCh37 (hg19) VCF-style: chr17-41219661-T-C.
Other names: c.2434A>G, p.Ile812Val (NM_001407968.1); c.2431A>G, p.Ile811Val (NM_001407969.1); c.1795A>G, p.Ile599Val (NM_001407970.1, NM_001407971.1); c.1792A>G, p.Ile598Val (NM_001407972.1); c.1729A>G, p.Ile577Val (NM_001407973.1, NM_001407974.1, NM_001407975.1 and 3 more transcripts); c.1726A>G, p.Ile576Val (NM_001407984.1, NM_001407985.1, NM_001407986.1 and 13 more transcripts); c.1723A>G, p.Ile575Val (NM_001408392.1, NM_001408396.1, NM_001408473.1 and 8 more transcripts); c.1720A>G, p.Ile574Val (NM_001408408.1, NM_001408406.1, NM_001408407.1); and 70 more; short protein forms I1680V, I1633V, I1701V, I576V, I1591V, I1610V, I1639V, I1652V.
Identifiers: ClinVar variation 868551 (VCV000868551.6), dbSNP rs2052170937, ClinGen allele CA10591441.

ClinVar aggregate classification (germline): Uncertain significance. Review status: criteria provided, multiple submitters, no conflicts (2 of 4 stars). 2 submissions from 2 submitters: Uncertain significance (2). Last evaluated 2024-07-30.

Conditions:
BRCA1-related cancer predisposition. Identifiers: MedGen CN377757, MONDO:0700268.
Hereditary breast ovarian cancer syndrome. Also called: Hereditary breast and ovarian cancer; Hereditary breast and ovarian cancer syndrome (HBOC); Breast and ovarian cancer; Hereditary breast and/or ovarian cancer syndrome; BRCA1- and BRCA2-Associated Hereditary Breast and Ovarian Cancer; Hereditary breast and ovarian cancer syndrome. Identifiers: Orphanet 145, MedGen C0677776, MeSH D061325, MONDO:0003582. Disease mechanism: loss of function.

Submissions (3):

Labcorp Genetics (formerly Invitae), Labcorp
Classification: Uncertain significance for Hereditary breast ovarian cancer syndrome. Last evaluated: 2024-07-30. Review status: criteria provided, single submitter. Criteria: Invitae Variant Classification Sherloc (09022015). Collection method: clinical testing. Allele origin: germline.
Comment: This sequence change replaces isoleucine, which is neutral and non-polar, with valine, which is neutral and non-polar, at codon 1680 of the BRCA1 protein (p.Ile1680Val). This variant is not present in population databases (gnomAD no frequency). This variant has not been reported in the literature in individuals affected with BRCA1-related conditions. ClinVar contains an entry for this variant (Variation ID: 868551). Advanced modeling performed at Invitae incorporating data from internal and/or published experimental studies (PMID: 30209399) indicates that this missense variant is not expected to disrupt BRCA1 function with a negative predictive value of 95%. In summary, the available evidence is currently insufficient to determine the role of this variant in disease. Therefore, it has been classified as a Variant of Uncertain Significance.

All of Us Research Program, National Institutes of Health
Classification: Uncertain significance for BRCA1-related cancer predisposition. Last evaluated: 2024-03-24. Review status: criteria provided, single submitter. Criteria: ACMG Guidelines, 2015. Collection method: clinical testing. Allele origin: germline. Inheritance: Autosomal dominant inheritance. Observed: 1 variant allele, 1 heterozygote.
Comment: This missense variant replaces isoleucine with valine at codon 1680 of the BRCA1 protein. Computational prediction suggests that this variant may not impact protein structure and function. A functional study has reported that this variant does not impact BRCA1 function in a haploid human cell proliferation assay (PMID: 30209399). This variant has not been reported in individuals affected with BRCA1-related disorders in the literature. This variant has not been identified in the general population by the Genome Aggregation Database (gnomAD). The available evidence is insufficient to determine the role of this variant in disease conclusively. Therefore, this variant is classified as a Variant of Uncertain Significance.

This study involves interpretation of variants in research participants for the purpose of population health screening. Participant phenotype was not available at the time of variant classification. Additional details can be found in publication PMID: 35346344, PMCID: PMC8962531

Brotman Baty Institute, University of Washington
No classification provided (evidence only). Condition: Breast-ovarian cancer, familial 1. Review status: no classification provided. Collection method: in vitro. Allele origin: not applicable. Functional consequence: functionally_normal. Not counted in ClinVar's aggregate classification.
ClinVar note: "not provided" was previously submitted as the classification for the variant. However, the classification appeared to be based only on an observation of functional data so it was converted to no classification on 2025-07-30.

Literature cited by the submitters: PubMed 30209399 (cited by Labcorp Genetics (formerly Invitae), Labcorp and All of Us Research Program, National Institutes of Health).